The following is an entry in ClinVar:

NM_001851.6(COL9A1):c.286A>G (p.Arg96Gly)

Gene: COL9A1 (collagen type IX alpha 1 chain; minus strand). Cytogenetic location: 6q13.
Variant type: single nucleotide variant.
Coding change: c.286A>G on transcript NM_001851.6 (MANE Select); coding-DNA position 286, A replaced by G.
Protein change: p.Arg96Gly; replaces arginine 96 with glycine.
Molecular consequence: missense variant.
Genome position (GRCh38, 1-based): chr6:70,300,056, T>C on the plus strand (A>G on the coding strand, the complement: COL9A1 is on the minus strand). VCF-style: chr6-70300056-T-C. GRCh37 (hg19) VCF-style: chr6-71009759-T-C.
Other names: c.286A>G, p.Arg96Gly (NM_001377291.1); c.286A>G (NM_001851.4); short protein forms R96G.
Identifiers: ClinVar variation 1012043 (VCV001012043.9), dbSNP rs375022897, ClinGen allele CA3882868.
Genomic context (GRCh38, chr6:70,300,056, plus strand): 5'-ATGCATTTGAGTCAGATAATTAGATTAAAATATTTTTGATAGATTACCTAGTTGGAATCC[T>C]GAAGTCTACATTATTTCCCAACTTGTAAGCCACCTGCAATGTAGCTGATCCCACTACTCT-3'
Protein context (NP_001842.3, residues 86-106): AYKLGNNVDF[Arg96Gly]IPTRNLYPSG

ClinVar aggregate classification (germline): Uncertain significance. Review status: criteria provided, multiple submitters, no conflicts (2 of 4 stars). 2 submissions from 2 submitters: Uncertain significance (2). Last evaluated 2025-11-20.

Conditions:
Inborn genetic diseases. Identifiers: MedGen C0950123, MeSH D030342.

Allele frequency attached by ClinVar (database versions not stated): gnomAD exomes below 0.00001 and 0.00001; TOPMed below 0.00001; ExAC 0.00001; ESP Exome Variant Server 0.00008.
gnomAD v4.1: 7 of 1,613,818 alleles (0.00043%); highest among the groups gnomAD compares: African/African-American, 0.0013%; no homozygotes.

Submissions (2):

Ambry Genetics
Classification: Uncertain significance for Inborn genetic diseases. Last evaluated: 2025-11-20. Review status: criteria provided, single submitter. Criteria: Ambry Variant Classification Scheme 2023. Collection method: clinical testing. Allele origin: germline.

Labcorp Genetics (formerly Invitae), Labcorp
Classification: Uncertain significance. Last evaluated: 2020-09-05. Review status: criteria provided, single submitter. Criteria: Invitae Variant Classification Sherloc (09022015). Collection method: clinical testing. Allele origin: germline.
Comment: This variant has not been reported in the literature in individuals with COL9A1-related conditions. This variant is present in population databases (rs375022897, ExAC 0.01%). This sequence change replaces arginine with glycine at codon 96 of the COL9A1 protein (p.Arg96Gly). The arginine residue is highly conserved and there is a moderate physicochemical difference between arginine and glycine. Advanced modeling of protein sequence and biophysical properties (such as structural, functional, and spatial information, amino acid conservation, physicochemical variation, residue mobility, and thermodynamic stability) performed at Invitae indicates that this missense variant is not expected to disrupt COL9A1 protein function. In summary, the available evidence is currently insufficient to determine the role of this variant in disease. Therefore, it has been classified as a Variant of Uncertain Significance.